The following is an entry in ClinVar:

ClinVar aggregate classification (germline): Uncertain significance (1 of 4 stars; one submission).

Conditions:
Pallister-Hall syndrome (PHS). Also called: HYPOTHALAMIC HAMARTOBLASTOMA, HYPOPITUITARISM, IMPERFORATE ANUS, AND POSTAXIAL POLYDACTYLY; GLI3-Related Pallister-Hall Syndrome. Identifiers: Orphanet 672, MedGen C0265220, MONDO:0007804, OMIM 146510.
Greig cephalopolysyndactyly syndrome (GCPS). Also called: POLYSYNDACTYLY WITH PECULIAR SKULL SHAPE; Greig syndrome; GLI3-Related Greig Cephalopolysyndactyly Syndrome. Identifiers: Orphanet 380, MedGen C0265306, MONDO:0008287, OMIM 175700.

Submission:

Labcorp Genetics (formerly Invitae), Labcorp
Classification: Uncertain significance for Pallister-Hall syndrome; Greig cephalopolysyndactyly syndrome. Last evaluated: 2025-06-12. Review status: criteria provided, single submitter. Criteria: Invitae Variant Classification Sherloc (09022015). Collection method: clinical testing. Allele origin: germline.
Comment: This sequence change replaces alanine, which is neutral and non-polar, with threonine, which is neutral and polar, at codon 1396 of the GLI3 protein (p.Ala1396Thr). This variant is not present in population databases (gnomAD no frequency). This variant has not been reported in the literature in individuals affected with GLI3-related conditions. Invitae Evidence Modeling of protein sequence and biophysical properties (such as structural, functional, and spatial information, amino acid conservation, physicochemical variation, residue mobility, and thermodynamic stability) indicates that this missense variant is not expected to disrupt GLI3 protein function with a negative predictive value of 95%. In summary, the available evidence is currently insufficient to determine the role of this variant in disease. Therefore, it has been classified as a Variant of Uncertain Significance.

NM_000168.6(GLI3):c.4186G>A (p.Ala1396Thr)

Gene: GLI3 (GLI family zinc finger 3; minus strand). Cytogenetic location: 7p14.1.
Variant type: single nucleotide variant.
Coding change: c.4186G>A on transcript NM_000168.6 (MANE Select); coding-DNA position 4186, G replaced by A.
Protein change: p.Ala1396Thr; replaces alanine 1396 with threonine.
Molecular consequence: missense variant.
Genome position (GRCh38, 1-based): chr7:41,964,887, C>T on the plus strand (G>A on the coding strand, the complement: GLI3 is on the minus strand). VCF-style: chr7-41964887-C-T. GRCh37 (hg19) VCF-style: chr7-42004485-C-T.
Other names: short protein forms A1396T.
Identifiers: ClinVar variation 4794087 (VCV004794087.1).
Genomic context (GRCh38, chr7:41,964,887, plus strand): 5'-AGGTCTGACTTGTGTCACTGAGCTGTCCTGACTGCAGAGCAAGGCTGTCCCTCGGCATAG[C>T]CTGGCGCCTGCTGCCCCCAAAGCTGGCACATGGCTGGTAGCCCCTGACAACTGCCAAGCT-3'
Protein context (NP_000159.3, residues 1386-1406): CASFGGSRRQ[Ala1396Thr]MPRDSLALQS